The following is an entry in ClinVar:

NM_001360016.2(G6PD):c.312C>T (p.Arg104=)

Gene: G6PD (glucose-6-phosphate dehydrogenase; minus strand). Cytogenetic location: Xq28.
Variant type: single nucleotide variant.
Coding change: c.312C>T on transcript NM_001360016.2 (MANE Select); coding-DNA position 312, C replaced by T.
Protein change: p.Arg104=; no amino-acid change (arginine 104 retained).
Molecular consequence: synonymous variant.
Genome position (GRCh38, 1-based): chrX:154,535,341, G>A on the plus strand (C>T on the coding strand, the complement: G6PD is on the minus strand). VCF-style: chrX-154535341-G-A. GRCh37 (hg19) VCF-style: chrX-153763556-G-A.
Other names: c.402C>T, p.Arg134= (NM_000402.4); c.312C>T, p.Arg104= (NM_001042351.3).
Identifiers: ClinVar variation 1722718 (VCV001722718.2), dbSNP rs2523271286, ClinGen allele CA519307249.

ClinVar aggregate classification (germline): Likely pathogenic (1 of 4 stars; one submission).

Conditions:
Anemia, nonspherocytic hemolytic, due to G6PD deficiency (CNSHA1). Also called: Hemolytic anemia due to G6PD deficiency; Class I glucose-6-phosphate dehydrogenase deficiency; Favism, susceptibility to; ANEMIA, CONGENITAL, NONSPHEROCYTIC HEMOLYTIC, 1. Identifiers: Orphanet 466026, MedGen C2720289, MONDO:0010480, OMIM 300908.

Submission:

Dunham Lab, University of Washington
Classification: Likely pathogenic for Anemia, nonspherocytic hemolytic, due to G6PD deficiency. Last evaluated: 2022-08-12. Review status: criteria provided, single submitter. Criteria: Bayesian ACMG Guidelines, 2018. Collection method: curation. Allele origin: unknown. Affected: yes.
Comment: Variant found in heterozygotes with mild G6PD deficiency (PP4). Decreased activity in red blood cells of heterozygotes (24-71%) (PS3). Not observed in gnomAD (PM2). Post_P 0.949 (odds of pathogenicity 168.4, Prior_P 0.1).

Literature cited by the submitters: PubMed 34620237.